The following is an entry in ClinVar:

ClinVar aggregate classification (germline): Likely benign. Review status: criteria provided, multiple submitters, no conflicts (2 of 4 stars). 2 submissions from 2 submitters: Likely benign (2). Last evaluated 2025-04-09.

Conditions:
Ataxia-telangiectasia syndrome (AT). Also called: Cerebello-oculocutaneous telangiectasia; Immunodeficiency with ataxia telangiectasia; Ataxia-telangiectasia, complementation group E; Ataxia-telangiectasia, complementation group D; AT, COMPLEMENTATION GROUP C; ATAXIA-TELANGIECTASIA, COMPLEMENTATION GROUP A. Identifiers: Orphanet 100, MedGen C0004135, MONDO:0008840, OMIM 208900.

Allele frequency attached by ClinVar (database versions not stated): TOPMed below 0.00001; gnomAD 0.00001.
gnomAD v4.1: 2 of 1,530,082 alleles (0.00013%); highest among the groups gnomAD compares: African/African-American, 0.0027%; no homozygotes.

Submissions (2):

Labcorp Genetics (formerly Invitae), Labcorp
Classification: Likely benign for Ataxia-telangiectasia syndrome. Last evaluated: 2025-04-09. Review status: criteria provided, single submitter. Criteria: Invitae Variant Classification Sherloc (09022015). Collection method: clinical testing. Allele origin: germline.

GeneDx
Classification: Likely benign. Last evaluated: 2017-09-07. Review status: criteria provided, single submitter. Criteria: GeneDx Variant Classification (06012015). Collection method: clinical testing. Allele origin: germline. Affected: yes.
Comment: This variant is considered likely benign or benign based on one or more of the following criteria: it is a conservative change, it occurs at a poorly conserved position in the protein, it is predicted to be benign by multiple in silico algorithms, and/or has population frequency not consistent with disease.

NM_000051.4(ATM):c.8671+19G>C

Genes: ATM (ATM serine/threonine kinase; plus strand), C11orf65 (chromosome 11 open reading frame 65; minus strand). Cytogenetic location: 11q22.3.
Variant type: single nucleotide variant.
Coding change: c.8671+19G>C on transcript NM_000051.4 (MANE Select); 19 bases into the intron after coding-DNA position 8671, G replaced by C.
Molecular consequence: intron variant.
Genome position (GRCh38, 1-based): chr11:108,347,384, G>C. VCF-style: chr11-108347384-G-C. GRCh37 (hg19) VCF-style: chr11-108218111-G-C.
Other names: c.8671+19G>C (NM_001351834.2); c.641-38313C>G (NM_001330368.2); c.695-12092C>G (NM_001351110.2).
Identifiers: ClinVar variation 511867 (VCV000511867.10), dbSNP rs1308810219, ClinGen allele CA601698946.